The following is an entry in ClinVar:

NM_001142633.3(PIK3R5):c.1885C>T (p.Pro629Ser)

Gene: PIK3R5 (phosphoinositide-3-kinase regulatory subunit 5; minus strand). Cytogenetic location: 17p13.1.
Variant type: single nucleotide variant.
Coding change: c.1885C>T on transcript NM_001142633.3 (MANE Select); coding-DNA position 1885, C replaced by T.
Protein change: p.Pro629Ser; replaces proline 629 with serine.
Molecular consequence: missense variant.
Genome position (GRCh38, 1-based): chr17:8,887,116, G>A on the plus strand (C>T on the coding strand, the complement: PIK3R5 is on the minus strand). VCF-style: chr17-8887116-G-A. GRCh37 (hg19) VCF-style: chr17-8790433-G-A.
Other names: PIK3R5, PRO629SER rs61761068; c.727C>T, p.Pro243Ser (NM_001251851.2, NM_001251852.2, NM_001251853.2 and 5 more transcripts); c.1885C>T, p.Pro629Ser (NM_001388396.1, NM_014308.4); short protein forms P629S, P243S.
Identifiers: ClinVar variation 48651 (VCV000048651.12), dbSNP rs61761068, ClinGen allele CA143690.

ClinVar aggregate classification (germline): Conflicting classifications of pathogenicity. Review status: criteria provided, conflicting classifications (1 of 4 stars). 7 submissions from 7 submitters: Uncertain significance (2); Benign (2); Likely benign (1). 2 of the submissions do not count toward it. Last evaluated 2025-11-01.

Conditions:
Ataxia with oculomotor apraxia type 3. Also called: Ataxia-oculomotor apraxia 3. Identifiers: Orphanet 64753, MedGen C3554690, MONDO:0014084, OMIM 615217.

Allele frequency attached by ClinVar (database versions not stated): gnomAD exomes 0.00080 and 0.00226; ExAC 0.00265; gnomAD 0.00798 and 0.00859; ESP Exome Variant Server 0.00907; TOPMed 0.00916; 1000 Genomes Project 0.00978; 1000 Genomes Project 30x 0.01031.
gnomAD v4.1: 2,461 of 1,614,038 alleles (0.15%); highest among the groups gnomAD compares: African/African-American, 2.7%; 30 homozygotes.

Submissions (7):

CeGaT Center for Human Genetics Tuebingen
Classification: Benign. Last evaluated: 2025-11-01. Review status: criteria provided, single submitter. Criteria: CeGaT Center For Human Genetics Tuebingen Variant Classification Criteria Version 2. Collection method: clinical testing. Allele origin: germline. Affected: yes. Observed: 2 variant alleles.
Comment: PIK3R5: BS1, BS2

Women's Health and Genetics/Laboratory Corporation of America, LabCorp
Classification: Likely benign. Last evaluated: 2024-04-09. Review status: criteria provided, single submitter. Criteria: LabCorp Variant Classification Summary - May 2015. Collection method: clinical testing. Allele origin: germline.
Comment: Variant summary: PIK3R5 c.1885C>T (p.Pro629Ser) results in a non-conservative amino acid change in the encoded protein sequence. Three of five in-silico tools predict a damaging effect of the variant on protein function. The variant allele was found at a frequency of 0.0023 in 250856 control chromosomes, predominantly at a frequency of 0.029 within the African or African-American subpopulation in the gnomAD database, including 7 homozygotes, strongly suggesting that the variant is a benign polymorphism found primarily in populations of African or African-American origin. c.1885C>T has been reported in the literature in individuals affected with Ataxia With Oculomotor Apraxia, unspecified disease conditions and healthy donors (example, AlTassan_2012, Capalbo_2019). These report(s) do not provide unequivocal conclusions about association of the variant with Ataxia With Oculomotor Apraxia Type 3. To our knowledge, no experimental evidence demonstrating an impact on protein function has been reported. The following publications have been ascertained in the context of this evaluation (PMID: 22065524, 31589614). ClinVar contains an entry for this variant (Variation ID: 48651). Based on the evidence outlined above, the variant was classified as likely benign.

Department of Pathology and Laboratory Medicine, Sinai Health System
Classification: Uncertain significance for Ataxia with oculomotor apraxia type 3. Last evaluated: 2023-04-03. Review status: criteria provided, single submitter. Criteria: ACMG Guidelines, 2015. Collection method: research. Allele origin: germline.

H3Africa Consortium
Classification: Benign. Last evaluated: 2020-10-28. Review status: criteria provided, single submitter. Criteria: Choudhury A et al. (Nature 2020). Collection method: research. Allele origin: germline. Study: H3Africa.
Comment: While the frequency of the alternate allele in gnoMAD v2.0.2 is 0.051, its frequency in African populations is >5%. This suggests that previous classifications of this variant as pathogenic are in error.

Mendelics
Classification: Uncertain significance for Ataxia with oculomotor apraxia type 3. Last evaluated: 2019-05-28. Review status: criteria provided, single submitter. Criteria: Mendelics Assertion Criteria 2017. Collection method: clinical testing. Allele origin: unknown.

Reproductive Health Research and Development, BGI Genomics
Classification: Uncertain significance for Ataxia-oculomotor apraxia 3. Last evaluated: 2020-01-06. Review status: no assertion criteria provided. Collection method: curation. Allele origin: germline. Not counted in ClinVar's aggregate classification.
Comment: NM_001142633.2:c.1885C>T in the PIK3R5 gene has an allele frequency of 0.029 in African subpopulation in the gnomAD database. This variant has been detected in a consanguineous family with autosomal recessive ataxias, segregating with phenotypes (PMID: 22065524). We interpret it as variant of uncertain significance (VUS). ACMG/AMP criteria applied: BS1, PP1, PP4.

OMIM
Classification: Pathogenic for ATAXIA-OCULOMOTOR APRAXIA 3 (1 family). Last evaluated: 2012-02-01. Review status: no assertion criteria provided. Collection method: literature only. Allele origin: germline. Not counted in ClinVar's aggregate classification.

Literature cited by the submitters: PubMed 31589614 (cited by Women's Health and Genetics/Laboratory Corporation of America, LabCorp); PubMed 22065524 (cited by Women's Health and Genetics/Laboratory Corporation of America, LabCorp and OMIM).